The following is an entry in ClinVar:

ClinVar aggregate classification (germline): Uncertain significance. Review status: criteria provided, multiple submitters, no conflicts (2 of 4 stars). 3 submissions from 3 submitters: Uncertain significance (3). Last evaluated 2023-10-19.

Conditions:
Familial thoracic aortic aneurysm and aortic dissection (TAAD). Also called: Thoracic aortic aneurysms and dissections. Identifiers: Orphanet 91387, MedGen C4707243, MONDO:0019625.
Arterial tortuosity syndrome (ATORS). Identifiers: Orphanet 3342, MedGen C1859726, MONDO:0008818, OMIM 208050.

Allele frequency attached by ClinVar (database versions not stated): TOPMed 0.00018; gnomAD 0.00019 and 0.00021; gnomAD exomes 0.00002 and 0.00003; ExAC 0.00005; ESP Exome Variant Server 0.00015.
gnomAD v4.1: 58 of 1,613,610 alleles (0.0036%); highest among the groups gnomAD compares: African/African-American, 0.066%; no homozygotes.

Submissions (3):

GeneDx
Classification: Uncertain significance. Last evaluated: 2023-10-19. Review status: criteria provided, single submitter. Criteria: GeneDx Variant Classification Process June 2021. Collection method: clinical testing. Allele origin: germline. Affected: yes.
Comment: In silico analysis supports that this missense variant has a deleterious effect on protein structure/function; Has not been previously published as pathogenic or benign to our knowledge

Ambry Genetics
Classification: Uncertain significance for Familial thoracic aortic aneurysm and aortic dissection. Last evaluated: 2023-06-12. Review status: criteria provided, single submitter. Criteria: Ambry Variant Classification Scheme 2023. Collection method: clinical testing. Allele origin: germline.
Comment: The p.Y494C variant (also known as c.1481A>G), located in coding exon 4 of the SLC2A10 gene, results from an A to G substitution at nucleotide position 1481. The tyrosine at codon 494 is replaced by cysteine, an amino acid with highly dissimilar properties. This amino acid position is highly conserved in available vertebrate species. In addition, the in silico prediction for this alteration is inconclusive. Since supporting evidence is limited at this time, the clinical significance of this alteration remains unclear.

Labcorp Genetics (formerly Invitae), Labcorp
Classification: Uncertain significance for Arterial tortuosity syndrome. Last evaluated: 2022-07-03. Review status: criteria provided, single submitter. Criteria: Invitae Variant Classification Sherloc (09022015). Collection method: clinical testing. Allele origin: germline.
Comment: This sequence change replaces tyrosine, which is neutral and polar, with cysteine, which is neutral and slightly polar, at codon 494 of the SLC2A10 protein (p.Tyr494Cys). This variant is present in population databases (rs374854180, gnomAD 0.05%). This variant has not been reported in the literature in individuals affected with SLC2A10-related conditions. ClinVar contains an entry for this variant (Variation ID: 213752). Advanced modeling of protein sequence and biophysical properties (such as structural, functional, and spatial information, amino acid conservation, physicochemical variation, residue mobility, and thermodynamic stability) performed at Invitae indicates that this missense variant is expected to disrupt SLC2A10 protein function. In summary, the available evidence is currently insufficient to determine the role of this variant in disease. Therefore, it has been classified as a Variant of Uncertain Significance.

NM_030777.4(SLC2A10):c.1481A>G (p.Tyr494Cys)

Gene: SLC2A10 (solute carrier family 2 member 10; plus strand). Cytogenetic location: 20q13.12.
Variant type: single nucleotide variant.
Coding change: c.1481A>G on transcript NM_030777.4 (MANE Select); coding-DNA position 1481, A replaced by G.
Protein change: p.Tyr494Cys; replaces tyrosine 494 with cysteine.
Molecular consequence: missense variant.
Genome position (GRCh38, 1-based): chr20:46,729,422, A>G. VCF-style: chr20-46729422-A-G. GRCh37 (hg19) VCF-style: chr20-45358061-A-G.
Other names: p.Y494C:TAT>TGT; short protein forms Y494C.
Identifiers: ClinVar variation 213752 (VCV000213752.8), dbSNP rs374854180, ClinGen allele CA324460.